The following is an entry in ClinVar:

ClinVar aggregate classification (germline): Uncertain significance. Review status: criteria provided, multiple submitters, no conflicts (2 of 4 stars). 2 submissions from 2 submitters: Uncertain significance (2). Last evaluated 2022-08-22.

Conditions:
Inborn genetic diseases. Identifiers: MedGen C0950123, MeSH D030342.
Cohen syndrome (COH1). Also called: Cutis verticis gyrata, retinitis pigmentosa, and sensorineural deafness; PEPPER SYNDROME. Identifiers: Orphanet 193, MedGen C0265223, MONDO:0008999, OMIM 216550.

Allele frequency attached by ClinVar (database versions not stated): gnomAD 0.00001; gnomAD exomes 0.00001 and 0.00002; ExAC 0.00002.
gnomAD v4.1: 21 of 1,613,482 alleles (0.0013%); highest among the groups gnomAD compares: South Asian, 0.022%; no homozygotes.

Submissions (2):

Ambry Genetics
Classification: Uncertain significance for Inborn genetic diseases. Last evaluated: 2022-08-22. Review status: criteria provided, single submitter. Criteria: Ambry Variant Classification Scheme 2023. Collection method: clinical testing. Allele origin: germline.

Labcorp Genetics (formerly Invitae), Labcorp
Classification: Uncertain significance for Cohen syndrome. Last evaluated: 2021-11-12. Review status: criteria provided, single submitter. Criteria: Invitae Variant Classification Sherloc (09022015). Collection method: clinical testing. Allele origin: germline.
Comment: This sequence change replaces isoleucine, which is neutral and non-polar, with methionine, which is neutral and non-polar, at codon 275 of the VPS13B protein (p.Ile275Met). This variant is present in population databases (rs769413380, gnomAD 0.02%). This variant has not been reported in the literature in individuals affected with VPS13B-related conditions. Algorithms developed to predict the effect of missense changes on protein structure and function are either unavailable or do not agree on the potential impact of this missense change (SIFT: "Not Available"; PolyPhen-2: "Benign"; Align-GVGD: "Not Available"). In summary, the available evidence is currently insufficient to determine the role of this variant in disease. Therefore, it has been classified as a Variant of Uncertain Significance.

NM_152564.5(VPS13B):c.825T>G (p.Ile275Met)

Gene: VPS13B (vacuolar protein sorting 13 homolog B; plus strand). Cytogenetic location: 8q22.2.
Variant type: single nucleotide variant.
Coding change: c.825T>G on transcript NM_152564.5 (MANE Select); coding-DNA position 825, T replaced by G.
Protein change: p.Ile275Met; replaces isoleucine 275 with methionine.
Molecular consequence: missense variant. On other transcripts: non-coding transcript variant (1).
Genome position (GRCh38, 1-based): chr8:99,115,762, T>G. VCF-style: chr8-99115762-T-G. GRCh37 (hg19) VCF-style: chr8-100127990-T-G.
Other names: c.825T>G, p.Ile275Met (NM_015243.3, NM_017890.5, NM_181661.3); c.825T>G (NM_017890.3); short protein forms I275M.
Identifiers: ClinVar variation 1382529 (VCV001382529.4), dbSNP rs769413380, ClinGen allele CA4822484.